The following is an entry in ClinVar:

NM_020778.5(ALPK3):c.4804G>A (p.Ala1602Thr)

Gene: ALPK3 (alpha kinase 3; plus strand). Cytogenetic location: 15q25.3.
Variant type: single nucleotide variant.
Coding change: c.4804G>A on transcript NM_020778.5 (MANE Select); coding-DNA position 4804, G replaced by A.
Protein change: p.Ala1602Thr; replaces alanine 1602 with threonine.
Molecular consequence: missense variant.
Genome position (GRCh38, 1-based): chr15:84,868,142, G>A. VCF-style: chr15-84868142-G-A. GRCh37 (hg19) VCF-style: chr15-85411373-G-A.
Other names: short protein forms A1602T.
Identifiers: ClinVar variation 4992696 (VCV004992696.1).
Genomic context (GRCh38, chr15:84,868,142, plus strand): 5'-CCCACTCAGCTCTTCCTGTCTGGCTGCAGATACCAGGGCCTCAAGGAAAGCTGCTTCCCT[G>A]CCCTGCTGGACCGGTTCGCCTCCTCCCACCAGTGCAATGCCTACTGTGAGCTGCTGGGGC-3'
Protein context (NP_065829.4, residues 1592-1612): YQGLKESCFP[Ala1602Thr]LLDRFASSHQ

ClinVar aggregate classification (germline): Uncertain significance (1 of 4 stars; one submission).

Conditions:
ALPK3-related disorder. Also called: ALPK3-related condition.

Submission:

PreventionGenetics, part of Exact Sciences
Classification: Uncertain significance for ALPK3-related condition. Last evaluated: 2026-07-19. Review status: criteria provided, single submitter. Criteria: ACMG Guidelines, 2015. Collection method: clinical testing. Allele origin: germline.
Comment: The ALPK3 c.5410G>A variant is predicted to result in the amino acid substitution p.Ala1804Thr. To our knowledge, this variant has not been reported in the literature or in a large population database (gnomAD), indicating this variant is rare. At this time, the clinical significance of this variant is uncertain due to the absence of conclusive functional and genetic evidence.